The following is an entry in ClinVar:

ClinVar aggregate classification (germline): Uncertain significance (1 of 4 stars; one submission).

Allele frequency attached by ClinVar (database versions not stated): ExAC 0.00002; TOPMed 0.00004; gnomAD 0.00005.
gnomAD v4.1: 170 of 1,613,838 alleles (0.011%); highest among the groups gnomAD compares: Non-Finnish European, 0.014%; no homozygotes.

Submission:

Labcorp Genetics (formerly Invitae), Labcorp
Classification: Uncertain significance. Last evaluated: 2023-08-15. Review status: criteria provided, single submitter. Criteria: Invitae Variant Classification Sherloc (09022015). Collection method: clinical testing. Allele origin: germline.
Comment: This sequence change replaces valine, which is neutral and non-polar, with isoleucine, which is neutral and non-polar, at codon 1512 of the OBSL1 protein (p.Val1512Ile). This variant is present in population databases (rs770627048, gnomAD 0.005%). This variant has not been reported in the literature in individuals affected with OBSL1-related conditions. Algorithms developed to predict the effect of missense changes on protein structure and function output the following: SIFT: "Not Available"; PolyPhen-2: "Benign"; Align-GVGD: "Not Available". The isoleucine amino acid residue is found in multiple mammalian species, which suggests that this missense change does not adversely affect protein function. In summary, the available evidence is currently insufficient to determine the role of this variant in disease. Therefore, it has been classified as a Variant of Uncertain Significance.

NM_015311.3(OBSL1):c.4534G>A (p.Val1512Ile)

Gene: OBSL1 (obscurin like cytoskeletal adaptor 1; minus strand). Cytogenetic location: 2q35.
Variant type: single nucleotide variant.
Coding change: c.4534G>A on transcript NM_015311.3 (MANE Select); coding-DNA position 4534, G replaced by A.
Protein change: p.Val1512Ile; replaces valine 1512 with isoleucine.
Molecular consequence: missense variant.
Genome position (GRCh38, 1-based): chr2:219,556,095, C>T on the plus strand (G>A on the coding strand, the complement: OBSL1 is on the minus strand). VCF-style: chr2-219556095-C-T. GRCh37 (hg19) VCF-style: chr2-220420817-C-T.
Other names: c.4534G>A, p.Val1512Ile (NM_001173431.2); short protein forms V1512I.
Identifiers: ClinVar variation 2693859 (VCV002693859.1), dbSNP rs770627048, ClinGen allele CA2130518.
Genomic context (GRCh38, chr2:219,556,095, plus strand): 5'-TGGCCAGGGTGCGATCGTGGTGGCTCTCGCAGCCGTAGGTGCCCTGGTCGGCCAGTATGA[C>T]ACCATGGATGAAGAGGCGGTGGATGTGCCCATCCTGGGCCATGGACAGGCGAGAGTCGTG-3'
Protein context (NP_056126.1, residues 1502-1522): GHIHRLFIHG[Val1512Ile]ILADQGTYGC